The following is an entry in ClinVar:

NM_000282.4(PCCA):c.1469T>C (p.Ile490Thr)

Gene: PCCA (propionyl-CoA carboxylase subunit alpha; plus strand). Cytogenetic location: 13q32.3.
Variant type: single nucleotide variant.
Coding change: c.1469T>C on transcript NM_000282.4 (MANE Select); coding-DNA position 1469, T replaced by C.
Protein change: p.Ile490Thr; replaces isoleucine 490 with threonine.
Molecular consequence: missense variant. On other transcripts: non-coding transcript variant (5).
Genome position (GRCh38, 1-based): chr13:100,330,600, T>C. VCF-style: chr13-100330600-T-C. GRCh37 (hg19) VCF-style: chr13-100982854-T-C.
Other names: c.1391T>C, p.Ile464Thr (NM_001127692.3, NM_001352607.2); c.1469T>C, p.Ile490Thr (NM_001178004.2, NM_001352605.2, NM_001352609.2); c.1325T>C, p.Ile442Thr (NM_001352606.2); c.1247T>C, p.Ile416Thr (NM_001352608.2); c.524T>C, p.Ile175Thr (NM_001352610.2, NM_001352611.2); c.380T>C, p.Ile127Thr (NM_001352612.2); short protein forms I175T, I416T, I464T, I127T, I442T, I490T.
Identifiers: ClinVar variation 1976771 (VCV001976771.4), dbSNP rs187624135, ClinGen allele CA7033677.

ClinVar aggregate classification (germline): Uncertain significance (1 of 4 stars; one submission).

Conditions:
Propionic acidemia (PROP). Also called: GLYCINEMIA, KETOTIC; HYPERGLYCINEMIA WITH KETOACIDOSIS AND LEUKOPENIA; KETOTIC HYPERGLYCINEMIA. Identifiers: Orphanet 35, MedGen C0268579, MONDO:0011628, OMIM 606054, HP:0003571.

Allele frequency attached by ClinVar (database versions not stated): gnomAD exomes below 0.00001; ExAC 0.00001; gnomAD 0.00001; 1000 Genomes Project 30x 0.00016; 1000 Genomes Project 0.00020.
gnomAD v4.1: 3 of 1,612,346 alleles (0.00019%); highest among the groups gnomAD compares: African/African-American, 0.0027%; no homozygotes.

Submission:

Labcorp Genetics (formerly Invitae), Labcorp
Classification: Uncertain significance for Propionic acidemia. Last evaluated: 2022-04-12. Review status: criteria provided, single submitter. Criteria: Invitae Variant Classification Sherloc (09022015). Collection method: clinical testing. Allele origin: germline.
Comment: This variant has not been reported in the literature in individuals affected with PCCA-related conditions. The frequency data for this variant in the population databases is considered unreliable, as metrics indicate poor data quality at this position in the gnomAD database. This sequence change replaces isoleucine, which is neutral and non-polar, with threonine, which is neutral and polar, at codon 490 of the PCCA protein (p.Ile490Thr). Advanced modeling of protein sequence and biophysical properties (such as structural, functional, and spatial information, amino acid conservation, physicochemical variation, residue mobility, and thermodynamic stability) performed at Invitae indicates that this missense variant is not expected to disrupt PCCA protein function. In summary, the available evidence is currently insufficient to determine the role of this variant in disease. Therefore, it has been classified as a Variant of Uncertain Significance.